The following is an entry in ClinVar:

ClinVar aggregate classification (germline): Uncertain significance (1 of 4 stars; one submission).

Conditions:
Symmetrical dyschromatosis of extremities (DSH). Also called: RETICULATE ACROPIGMENTATION OF DOHI; SYMMETRIC DYSCHROMATOSIS OF THE EXTREMITIES; Dyschromatosis symmetrica hereditaria; DYSCHROMATOSIS SYMMETRICA HEREDITARIA 1. Identifiers: Orphanet 41, MedGen C0406775, MONDO:0007483, OMIM 127400.
Aicardi-Goutieres syndrome 6 (AGS6). Identifiers: Orphanet 51, MedGen C3539013, MONDO:0014007, OMIM 615010.

Allele frequency attached by ClinVar (database versions not stated): gnomAD exomes 0.00001; ExAC 0.00002.
gnomAD v4.1: 9 of 1,614,176 alleles (0.00056%); highest among the groups gnomAD compares: Admixed American, 0.0017%; no homozygotes.

Submission:

Labcorp Genetics (formerly Invitae), Labcorp
Classification: Uncertain significance for Aicardi-Goutieres syndrome 6; Symmetrical dyschromatosis of extremities. Last evaluated: 2024-04-03. Review status: criteria provided, single submitter. Criteria: Invitae Variant Classification Sherloc (09022015). Collection method: clinical testing. Allele origin: germline.
Comment: This sequence change replaces glycine, which is neutral and non-polar, with aspartic acid, which is acidic and polar, at codon 696 of the ADAR protein (p.Gly696Asp). This variant is present in population databases (rs747713538, gnomAD 0.006%). This variant has not been reported in the literature in individuals affected with ADAR-related conditions. Advanced modeling of protein sequence and biophysical properties (such as structural, functional, and spatial information, amino acid conservation, physicochemical variation, residue mobility, and thermodynamic stability) performed at Invitae indicates that this missense variant is not expected to disrupt ADAR protein function with a negative predictive value of 80%. In summary, the available evidence is currently insufficient to determine the role of this variant in disease. Therefore, it has been classified as a Variant of Uncertain Significance.

NM_001111.5(ADAR):c.2087G>A (p.Gly696Asp)

Gene: ADAR (adenosine deaminase RNA specific; minus strand). Cytogenetic location: 1q21.3.
Variant type: single nucleotide variant.
Coding change: c.2087G>A on transcript NM_001111.5 (MANE Select); coding-DNA position 2087, G replaced by A.
Protein change: p.Gly696Asp; replaces glycine 696 with aspartic acid.
Molecular consequence: missense variant. On other transcripts: intron variant (1).
Genome position (GRCh38, 1-based): chr1:154,596,988, C>T on the plus strand (G>A on the coding strand, the complement: ADAR is on the minus strand). VCF-style: chr1-154596988-C-T. GRCh37 (hg19) VCF-style: chr1-154569464-C-T.
Other names: c.1202G>A, p.Gly401Asp (NM_001193495.2, NM_001365046.1, NM_001365047.1 and 3 more transcripts); c.2114G>A, p.Gly705Asp (NM_001365045.1); c.2087G>A, p.Gly696Asp (NM_015840.4); c.2080-50G>A (NM_015841.4); short protein forms G696D, G401D, G705D.
Identifiers: ClinVar variation 2937336 (VCV002937336.3), dbSNP rs747713538, ClinGen allele CA1131367.
Genomic context (GRCh38, chr1:154,596,988, plus strand): 5'-ATCTTCCTGACCTTGTTGGGCATCATGGATTCCAAGTTATCAAGTGACTCTGAGATCATA[C>T]CTTCAGGCTAAAGGAGAATCCATCAAACAGAGGAGCCATAAACACTTCAGGAAATGTTGA-3'
Protein context (NP_001102.3, residues 686-706): NSMASDNQPE[Gly696Asp]MISESLDNLE